The following is an entry in ClinVar:

NM_052874.5(STX1B):c.649G>C (p.Asp217His)

Gene: STX1B (syntaxin 1B; minus strand). Cytogenetic location: 16p11.2.
Variant type: single nucleotide variant.
Coding change: c.649G>C on transcript NM_052874.5 (MANE Select); coding-DNA position 649, G replaced by C.
Protein change: p.Asp217His; replaces aspartic acid 217 with histidine.
Molecular consequence: missense variant.
Genome position (GRCh38, 1-based): chr16:30,993,373, C>G on the plus strand (G>C on the coding strand, the complement: STX1B is on the minus strand). VCF-style: chr16-30993373-C-G. GRCh37 (hg19) VCF-style: chr16-31004694-C-G.
Other names: short protein forms D217H.
Identifiers: ClinVar variation 2575552 (VCV002575552.1), dbSNP rs2543954815, ClinGen allele CA395647153.

ClinVar aggregate classification (germline): Uncertain significance (1 of 4 stars; one submission).

Submission:

GeneDx
Classification: Uncertain significance. Last evaluated: 2023-02-10. Review status: criteria provided, single submitter. Criteria: GeneDx Variant Classification Process June 2021. Collection method: clinical testing. Allele origin: germline. Affected: yes.
Comment: Not observed at significant frequency in large population cohorts (gnomAD); In silico analysis supports that this missense variant has a deleterious effect on protein structure/function; Has not been previously published as pathogenic or benign to our knowledge